The following is an entry in ClinVar:

NM_004444.5(EPHB4):c.2393C>T (p.Thr798Ile)

Genes: EPHB4 (EPH receptor B4; minus strand), LOC126860124 (CDK7 strongly-dependent group 2 enhancer GRCh37_chr7:100403701-100404900; plus strand). Cytogenetic location: 7q22.1.
Variant type: single nucleotide variant.
Coding change: c.2393C>T on transcript NM_004444.5 (MANE Select); coding-DNA position 2393, C replaced by T.
Protein change: p.Thr798Ile; replaces threonine 798 with isoleucine.
Molecular consequence: missense variant.
Genome position (GRCh38, 1-based): chr7:100,806,511, G>A on the plus strand (C>T on the coding strand, the complement: EPHB4 is on the minus strand). VCF-style: chr7-100806511-G-A. GRCh37 (hg19) VCF-style: chr7-100404133-G-A.
Other names: c.2393C>T (NM_004444.4); short protein forms T798I.
Identifiers: ClinVar variation 1334489 (VCV001334489.5), dbSNP rs2116416779, ClinGen allele CA368567742.

ClinVar aggregate classification (germline): Uncertain significance. Review status: criteria provided, multiple submitters, no conflicts (2 of 4 stars). 2 submissions from 2 submitters: Uncertain significance (2). Last evaluated 2025-02-06.

Submissions (2):

GeneDx
Classification: Uncertain significance. Last evaluated: 2025-02-06. Review status: criteria provided, single submitter. Criteria: GeneDx Variant Classification Process June 2021. Collection method: clinical testing. Allele origin: germline. Affected: yes.
Comment: Not observed at significant frequency in large population cohorts (gnomAD); In silico analysis supports that this missense variant has a deleterious effect on protein structure/function; Has not been previously published as pathogenic or benign to our knowledge

Greenwood Genetic Center Diagnostic Laboratories, Greenwood Genetic Center
Classification: Uncertain significance. Last evaluated: 2021-06-10. Review status: criteria provided, single submitter. Criteria: ACMG Guidelines, 2015. Collection method: clinical testing. Allele origin: germline. Affected: yes.
Comment: PP3, PM2